The following is an entry in ClinVar:

NM_000548.5(TSC2):c.4989+6T>C

Gene: TSC2 (TSC complex subunit 2; plus strand). Cytogenetic location: 16p13.3.
Variant type: single nucleotide variant.
Coding change: c.4989+6T>C on transcript NM_000548.5 (MANE Select); 6 bases into the intron after coding-DNA position 4989, T replaced by C.
Molecular consequence: intron variant.
Genome position (GRCh38, 1-based): chr16:2,086,877, T>C. VCF-style: chr16-2086877-T-C. GRCh37 (hg19) VCF-style: chr16-2136878-T-C.
Other names: c.4920+6T>C (NM_001114382.3); c.4860+6T>C (NM_021055.3, NM_001370405.1); c.4791+6T>C (NM_001363528.2); c.4857+6T>C (NM_001370404.1); c.4788+6T>C (NM_001077183.3); c.4680+6T>C (NM_001318827.2); c.4257+6T>C (NM_001318831.2); c.4644+6T>C (NM_001318829.2); and 1 more.
Identifiers: ClinVar variation 2059029 (VCV002059029.6), dbSNP rs2151589973, ClinGen allele CA620706064.
Genomic context (GRCh38, chr16:2,086,877, plus strand): 5'-TGTGTCCATTGTCTACAATGACTCCGGTGAGGACTTCAAGCTTGGCACCATCAAGGTGAG[T>C]GAGGGGCCGTCAGTGAGGCTGGGCCCCAGGCAGGTGCCCACTGCTGTGTCCCGGGTTGGT-3'

ClinVar aggregate classification (germline): Uncertain significance. Review status: criteria provided, multiple submitters, no conflicts (2 of 4 stars). 3 submissions from 3 submitters: Uncertain significance (3). Last evaluated 2024-08-08.

Conditions:
Tuberous sclerosis syndrome (TSC). Also called: Tuberous Sclerosis Complex; Tuberous sclerosis. Identifiers: Orphanet 805, MedGen C0041341, MONDO:0001734.
Tuberous sclerosis 2 (TSC2). Identifiers: Orphanet 805, MedGen C1860707, MONDO:0013199, OMIM 613254.

Submissions (3):

GeneDx
Classification: Uncertain significance. Last evaluated: 2024-08-08. Review status: criteria provided, single submitter. Criteria: GeneDx Variant Classification Process June 2021. Collection method: clinical testing. Allele origin: germline. Affected: yes.
Comment: Not observed at significant frequency in large population cohorts (gnomAD); Has not been previously published as pathogenic or benign to our knowledge; In silico analysis suggests this variant may impact gene splicing. In the absence of RNA/functional studies, the actual effect of this sequence change is unknown.

Labcorp Genetics (formerly Invitae), Labcorp
Classification: Uncertain significance for Tuberous sclerosis 2. Last evaluated: 2023-12-14. Review status: criteria provided, single submitter. Criteria: Invitae Variant Classification Sherloc (09022015). Collection method: clinical testing. Allele origin: germline.
Comment: This sequence change falls in intron 38 of the TSC2 gene. It does not directly change the encoded amino acid sequence of the TSC2 protein. It affects a nucleotide within the consensus splice site. This variant is not present in population databases (gnomAD no frequency). This variant has not been reported in the literature in individuals affected with TSC2-related conditions. ClinVar contains an entry for this variant (Variation ID: 2059029). Variants that disrupt the consensus splice site are a relatively common cause of aberrant splicing (PMID: 17576681, 9536098). Algorithms developed to predict the effect of sequence changes on RNA splicing suggest that this variant is not likely to affect RNA splicing. In summary, the available evidence is currently insufficient to determine the role of this variant in disease. Therefore, it has been classified as a Variant of Uncertain Significance.

All of Us Research Program, National Institutes of Health
Classification: Uncertain significance for Tuberous sclerosis syndrome. Last evaluated: 2023-11-20. Review status: criteria provided, single submitter. Criteria: ACMG Guidelines, 2015. Collection method: clinical testing. Allele origin: germline. Inheritance: Autosomal dominant inheritance. Observed: 1 variant allele, 1 heterozygote.
Comment: This variant causes a T to C nucleotide substitution at the +6 position of intron 38/41 of the TSC2 gene. Splice site prediction tools are inconclusive regarding the impact of this variant on RNA splicing. To our knowledge, RNA studies have not been reported for this variant. This variant has not been reported in individuals affected with TSC2-related disorders in the literature. This variant has not been identified in the general population by the Genome Aggregation Database (gnomAD). The available evidence is insufficient to determine the role of this variant in disease conclusively. Therefore, this variant is classified as a Variant of Uncertain Significance.

This study involves interpretation of variants in research participants for the purpose of population health screening. Participant phenotype was not available at the time of variant classification. Additional details can be found in publication PMID: 35346344, PMCID: PMC8962531

Literature cited by the submitters: PubMed 17576681 (cited by Labcorp Genetics (formerly Invitae), Labcorp); PubMed 9536098 (cited by Labcorp Genetics (formerly Invitae), Labcorp).